The following is an entry in ClinVar:

ClinVar aggregate classification (germline): Pathogenic. Review status: reviewed by expert panel (3 of 4 stars). 20 submissions from 20 submitters: Pathogenic (1). 19 of the submissions do not count toward it. Last evaluated 2016-09-08.

Conditions:
BRCA2-related cancer predisposition. Identifiers: MedGen CN377758, MONDO:0700269.
BRCA2-related disorder. Also called: BRCA2-related condition; BRCA2-related disorders. Identifiers: MedGen CN239275.
Pancreatic cancer, susceptibility to, 2. Identifiers: Orphanet 1333, MedGen C3150546, MONDO:0013235, OMIM 613347.
Glioma susceptibility 3 (GLM3). Also called: Glioblastoma 3. Identifiers: Orphanet 182067, Orphanet 360, MedGen C2751641, MONDO:0013093, OMIM 613029.
Familial prostate cancer. Also called: Hereditary Prostate Cancer. Identifiers: MedGen C2931456, MONDO:0700275, OMIM 176807.
Breast-ovarian cancer, familial, susceptibility to, 2 (BROVCA2). Also called: BRCA2 Hereditary Breast and Ovarian Cancer. Identifiers: Orphanet 145, MedGen C2675520, MONDO:0012933, OMIM 612555. Disease mechanism: loss of function.
Fanconi anemia complementation group D1. Also called: BRCA2-Related Fanconi Anemia. Identifiers: Orphanet 319462, MedGen C1838457, MONDO:0011584, OMIM 605724.
Medulloblastoma (MDB). Also called: Medulloblastoma, somatic; MEDULLOBLASTOMA PREDISPOSITION SYNDROME. Identifiers: Orphanet 616, MedGen C0025149, MeSH D008527, MONDO:0007959, OMIM 155255, HP:0002885.
Wilms tumor 1 (WT1). Also called: Wilms tumor, somatic. Identifiers: Orphanet 654, MedGen CN033288, MONDO:0008679, OMIM 194070.
Familial cancer of breast. Also called: BREAST CANCER, FAMILIAL; hereditary breast carcinoma; Hereditary breast cancer. Identifiers: Orphanet 227535, MedGen C0346153, MONDO:0016419, OMIM 114480. Disease mechanism: loss of function.
Prostate cancer. Also called: Malignant tumor of prostate. Identifiers: Orphanet 1331, MedGen C0376358, MONDO:0008315, HP:0012125.
Breast and/or ovarian cancer. Identifiers: MedGen CN221562.
Hereditary cancer-predisposing syndrome. Also called: Neoplastic Syndromes, Hereditary; Tumor predisposition; Hereditary Cancer Syndrome; Hereditary neoplastic syndrome. Identifiers: Orphanet 140162, MedGen C0027672, MeSH D009386, MONDO:0015356.
Hereditary breast ovarian cancer syndrome. Also called: Breast and ovarian cancer; Hereditary breast and ovarian cancer; Hereditary breast and ovarian cancer syndrome (HBOC); Hereditary breast and ovarian cancer syndrome; BRCA1- and BRCA2-Associated Hereditary Breast and Ovarian Cancer; Hereditary breast and/or ovarian cancer syndrome. Identifiers: Orphanet 145, MedGen C0677776, MeSH D061325, MONDO:0003582. Disease mechanism: loss of function.
Malignant tumor of breast. Also called: Cancer breast; Malignant breast neoplasm. Identifiers: MedGen C0006142, MONDO:0007254. Disease mechanism: loss of function.

gnomAD v4.1: 1 of 1,612,258 alleles (0.000062%); highest among the groups gnomAD compares: East Asian, 0.0022%; no homozygotes.

Submissions 1 to 7 of 20:

Evidence-based Network for the Interpretation of Germline Mutant Alleles (ENIGMA)
Classification: Pathogenic for Breast-ovarian cancer, familial, susceptibility to, 2. Last evaluated: 2016-09-08. Review status: reviewed by expert panel. Criteria: ENIGMA BRCA1/2 Classification Criteria (2015). Collection method: curation. Allele origin: germline.
Comment: Variant allele predicted to encode a truncated non-functional protein.

Labcorp Genetics (formerly Invitae), Labcorp
Classification: Pathogenic for Hereditary breast ovarian cancer syndrome. Last evaluated: 2026-01-30. Review status: criteria provided, single submitter. Criteria: Invitae Variant Classification Sherloc (09022015). Collection method: clinical testing. Allele origin: germline. Not counted in ClinVar's aggregate classification.
Comment: This sequence change creates a premature translational stop signal (p.Gln1037*) in the BRCA2 gene. It is expected to result in an absent or disrupted protein product. Loss-of-function variants in BRCA2 are known to be pathogenic (PMID: 20104584). This variant is present in population databases (rs80358557, gnomAD 0.006%). This premature translational stop signal has been observed in individual(s) with breast and/or ovarian cancer (PMID: 10874312, 18489799, 19353265, 20104584, 22970155, 26187060, 26757417, 26852015). It is commonly reported in individuals of Asian ancestry (PMID: 10874312, 18489799, 19353265, 20104584, 22970155, 26187060, 26757417, 26852015). This variant is also known as 3337C>T. ClinVar contains an entry for this variant (Variation ID: 37819). For these reasons, this variant has been classified as Pathogenic.

First Genomix Gene Laboratory, Genetic Diagnostics Department
Classification: Pathogenic for Breast-ovarian cancer, familial, susceptibility to, 2. Last evaluated: 2025-07-10. Review status: criteria provided, single submitter. Criteria: ACMG Guidelines, 2015. Collection method: clinical testing. Allele origin: germline. Inheritance: Autosomal dominant inheritance. Affected: yes. Observed: 1 variant allele, 1 heterozygote. Not counted in ClinVar's aggregate classification.
Comment: In the literature, this variant has been detected in multiple individuals affected with breast and/or ovarian cancer (PMIDs: 29752822 and 28294317).

Division of Genetic & Genomic Pathology, Hong Kong Children's Hospital
Classification: Pathogenic for BRCA2-related cancer predisposition. Last evaluated: 2025-03-10. Review status: criteria provided, single submitter. Criteria: ACMG Guidelines, 2015. Collection method: clinical testing. Allele origin: germline. Affected: yes. Not counted in ClinVar's aggregate classification.
Comment: The BRCA2 c.3109C>T p.(Gln1037Ter) variant results in a stop gain in exon 11 of the BRCA2 gene. It is predicted to generate mRNA transcripts with premature stop codon targeted by nonsense-mediated decay. Loss-of-function in BRCA2 is a known disease-causing mechanism for HBOC (PMID: 20104584). This variant is absent from population control databases (gnomAD v2.1.1 non-cancer and v3.1.2 non-cancer). This variant has been reviewed by expert panel and reported as pathogenic in ClinVar (VCV000037819.73). This variant has been reported as a recurrent pathogenic variant in Chinese individuals, particularly in Hong Kong (PMID: 19353265, 22970155, 26187060), and has been reported in multiple individuals and families affected with breast and/or ovarian cancer (PMID: 18489799, 20104584, 26757417, 26852015, 32318955, 37310942). For these reasons, BRCA2 c.3109C>T p.(Gln1037Ter) is classified as pathogenic, according to the “ClinGen ENIGMA BRCA1 and BRCA2 Expert Panel Specifications to the ACMG/AMP Variant Interpretation Guidelines for BRCA2 Version 1.2.0”.

Color Diagnostics, LLC DBA Color Health
Classification: Pathogenic for Hereditary cancer-predisposing syndrome. Last evaluated: 2024-08-19. Review status: criteria provided, single submitter. Criteria: ACMG Guidelines, 2015. Collection method: clinical testing. Allele origin: germline. Not counted in ClinVar's aggregate classification.
Comment: This variant changes 1 nucleotide in exon 11 of the BRCA2 gene, creating a premature translation stop signal. This variant is expected to result in an absent or non-functional protein product. To our knowledge, functional studies have not been reported for this variant. This variant has been detected in over 25 individuals and families affected with breast and/or ovarian cancer (PMID: 10874312, 11857749, 12181777, 18489799, 22970155, 26187060, 28294317, 28664506, 29752822, 33471991; Leiden Open Variation Database DB-ID BRCA2_004452). This variant is a common pathogenic variant in individuals of Chinese ancestry (PMID: 26187060). A multifactorial analysis has reported a likelihood ratio based on personal and family history of 5.598 from log(LR)=0.748021245 (PMID: 31853058). This variant has been identified in 1/249392 chromosomes in the general population by the Genome Aggregation Database (gnomAD). Loss of BRCA2 function is a known mechanism of disease. Based on the available evidence, this variant is classified as Pathogenic.

Ambry Genetics
Classification: Pathogenic for Hereditary cancer-predisposing syndrome. Last evaluated: 2024-07-22. Review status: criteria provided, single submitter. Criteria: Ambry Variant Classification Scheme 2023. Collection method: clinical testing. Allele origin: germline. Not counted in ClinVar's aggregate classification.
Comment: The p.Q1037* pathogenic mutation (also known as c.3109C>T), located in coding exon 10 of the BRCA2 gene, results from a C to T substitution at nucleotide position 3109. This changes the amino acid from a glutamine to a stop codon within coding exon 10. Numerous Chinese families with breast and/or ovarian cancer have been reported with this alteration, and haplotype analyses have proven this to be a Chinese founder mutation (Kwong A et al. Breast Cancer Res Treat, 2009 Oct;117:683-6; Kwong A et al. PLoS One, 2012 Sep;7:e43994; Lang GT et al. Int J Cancer, 2017 Jul;141:129-142). This mutation has also been detected twice in Pakistani individuals diagnosed with early onset breast cancer (Liede A et al. Am J Hum Genet, 2002 Sep;71:595-606). Of note, this alteration is also designated as 3337C>T in published literature. In addition to the clinical data presented in the literature, this alteration is expected to result in loss of function by premature protein truncation or nonsense-mediated mRNA decay. As such, this alteration is interpreted as a disease-causing mutation.

Baylor Genetics
Classification: Pathogenic for Familial cancer of breast. Last evaluated: 2024-03-07. Review status: criteria provided, single submitter. Criteria: ACMG Guidelines, 2015. Collection method: clinical testing. Allele origin: unknown. Not counted in ClinVar's aggregate classification.

NM_000059.4(BRCA2):c.3109C>T (p.Gln1037Ter)

Gene: BRCA2 (BRCA2 DNA repair associated; plus strand). Cytogenetic location: 13q13.1.
Variant type: single nucleotide variant.
Coding change: c.3109C>T on transcript NM_000059.4 (MANE Select); coding-DNA position 3109, C replaced by T.
Protein change: p.Gln1037Ter; replaces glutamine 1037 with a stop codon.
Molecular consequence: nonsense.
Genome position (GRCh38, 1-based): chr13:32,337,464, C>T. VCF-style: chr13-32337464-C-T. GRCh37 (hg19) VCF-style: chr13-32911601-C-T.
Other names: p.Q1037*:CAA>TAA; 3337C>T; short protein forms Q1037*.
Identifiers: ClinVar variation 37819 (VCV000037819.78), dbSNP rs80358557, ClinGen allele CA017251.